The following is an entry in ClinVar:

ClinVar aggregate classification (germline): Uncertain significance (1 of 4 stars; one submission).

Conditions:
BBS7-related disorder. Also called: BBS7-related condition.

gnomAD v4.1: 15 of 1,608,730 alleles (0.00093%); highest among the groups gnomAD compares: Non-Finnish European, 0.0013%; no homozygotes.

Submission:

PreventionGenetics, part of Exact Sciences
Classification: Uncertain significance for BBS7-related condition. Last evaluated: 2025-02-06. Review status: criteria provided, single submitter. Criteria: ACMG Guidelines, 2015. Collection method: clinical testing. Allele origin: germline.
Comment: The BBS7 c.940G>A variant is predicted to result in the amino acid substitution p.Val314Ile. To our knowledge, this variant has not been reported in the literature. This variant is reported in 0.0018% of alleles in individuals of European (Non-Finnish) descent in gnomAD. At this time, the clinical significance of this variant is uncertain due to the absence of conclusive functional and genetic evidence.

NM_176824.3(BBS7):c.940G>A (p.Val314Ile)

Gene: BBS7 (Bardet-Biedl syndrome 7; minus strand). Cytogenetic location: 4q27.
Variant type: single nucleotide variant.
Coding change: c.940G>A on transcript NM_176824.3 (MANE Select); coding-DNA position 940, G replaced by A.
Protein change: p.Val314Ile; replaces valine 314 with isoleucine.
Molecular consequence: missense variant.
Genome position (GRCh38, 1-based): chr4:121,847,501, C>T on the plus strand (G>A on the coding strand, the complement: BBS7 is on the minus strand). VCF-style: chr4-121847501-C-T. GRCh37 (hg19) VCF-style: chr4-122768656-C-T.
Other names: c.940G>A, p.Val314Ile (NM_018190.4); short protein forms V314I.
Identifiers: ClinVar variation 3358181 (VCV003358181.2).
Genomic context (GRCh38, chr4:121,847,501, plus strand): 5'-TTTTTAGTTCTTCTCCTGGTCCACTTTCCTTATGAATGGGCTCTGTTGTCAGACCTGTAA[C>T]CCAGCCTGTAGAGATGAATTACAATCACGCACCACTTAGTACTGCTAGTGTTAAAAAGAT-3'
Protein context (NP_789794.1, residues 304-324): EIVVSTYSGW[Val314Ile]TGLTTEPIHK